The following is an entry in ClinVar:

ClinVar aggregate classification (germline): Uncertain significance (1 of 4 stars; one submission).

Submission:

Labcorp Genetics (formerly Invitae), Labcorp
Classification: Uncertain significance. Last evaluated: 2024-03-02. Review status: criteria provided, single submitter. Criteria: Invitae Variant Classification Sherloc (09022015). Collection method: clinical testing. Allele origin: germline.
Comment: This sequence change falls in intron 24 of the MICAL1 gene. It does not directly change the encoded amino acid sequence of the MICAL1 protein. It affects a nucleotide within the consensus splice site. This variant is not present in population databases (gnomAD no frequency). This variant has not been reported in the literature in individuals affected with MICAL1-related conditions. Variants that disrupt the consensus splice site are a relatively common cause of aberrant splicing (PMID: 17576681, 9536098). Algorithms developed to predict the effect of sequence changes on RNA splicing suggest that this variant may disrupt the consensus splice site. In summary, the available evidence is currently insufficient to determine the role of this variant in disease. Therefore, it has been classified as a Variant of Uncertain Significance.

Literature cited by the submitters: PubMed 17576681; PubMed 9536098.

NM_022765.4(MICAL1):c.3055+2T>G

Gene: MICAL1 (microtubule associated monooxygenase, calponin and LIM domain containing 1; minus strand). Cytogenetic location: 6q21.
Variant type: single nucleotide variant.
Coding change: c.3055+2T>G on transcript NM_022765.4 (MANE Select); the canonical splice donor site of the intron after coding-DNA position 3055, T replaced by G.
Molecular consequence: splice donor variant.
Genome position (GRCh38, 1-based): chr6:109,444,723, A>C on the plus strand (T>G on the coding strand, the complement: MICAL1 is on the minus strand). VCF-style: chr6-109444723-A-C. GRCh37 (hg19) VCF-style: chr6-109765926-A-C.
Other names: c.3112+2T>G (NM_001286613.2); c.2797+2T>G (NM_001159291.2).
Identifiers: ClinVar variation 3644071 (VCV003644071.2).